The following is an entry in ClinVar:

ClinVar aggregate classification (germline): Uncertain significance (1 of 4 stars; one submission).

Submission:

GeneDx
Classification: Uncertain significance. Last evaluated: 2024-05-28. Review status: criteria provided, single submitter. Criteria: GeneDx Variant Classification Process June 2021. Collection method: clinical testing. Allele origin: germline. Affected: yes.
Comment: Not observed at significant frequency in large population cohorts (gnomAD); In silico analysis supports that this missense variant has a deleterious effect on protein structure/function; Has not been previously published as pathogenic or benign to our knowledge

NM_001282531.3(ADNP):c.507G>C (p.Lys169Asn)

Gene: ADNP (activity dependent neuroprotector homeobox; minus strand). Cytogenetic location: 20q13.13.
Variant type: single nucleotide variant.
Coding change: c.507G>C on transcript NM_001282531.3 (MANE Select); coding-DNA position 507, G replaced by C.
Protein change: p.Lys169Asn; replaces lysine 169 with asparagine.
Molecular consequence: missense variant.
Genome position (GRCh38, 1-based): chr20:50,894,207, C>G on the plus strand (G>C on the coding strand, the complement: ADNP is on the minus strand). VCF-style: chr20-50894207-C-G. GRCh37 (hg19) VCF-style: chr20-49510744-C-G.
Other names: c.507G>C, p.Lys169Asn (NM_001282532.2, NM_001347511.2, NM_015339.5 and 1 more transcripts); short protein forms K169N.
Identifiers: ClinVar variation 3383770 (VCV003383770.1).